The following is an entry in ClinVar:

ClinVar aggregate classification (germline): Uncertain significance (1 of 4 stars; one submission).

Conditions:
Neuroblastoma, susceptibility to, 3. Also called: ALK-Related Neuroblastic Tumor Susceptibility. Identifiers: Orphanet 635, MedGen C2751681, MONDO:0013083, OMIM 613014.

Submission:

Labcorp Genetics (formerly Invitae), Labcorp
Classification: Uncertain significance for Neuroblastoma, susceptibility to, 3. Last evaluated: 2022-02-09. Review status: criteria provided, single submitter. Criteria: Invitae Variant Classification Sherloc (09022015). Collection method: clinical testing. Allele origin: germline.
Comment: This sequence change replaces serine, which is neutral and polar, with arginine, which is basic and polar, at codon 426 of the ALK protein (p.Ser426Arg). In summary, the available evidence is currently insufficient to determine the role of this variant in disease. Therefore, it has been classified as a Variant of Uncertain Significance. Algorithms developed to predict the effect of missense changes on protein structure and function are either unavailable or do not agree on the potential impact of this missense change (SIFT: "Deleterious"; PolyPhen-2: "Probably Damaging"; Align-GVGD: "Class C0"). This variant has not been reported in the literature in individuals affected with ALK-related conditions. This variant is not present in population databases (gnomAD no frequency).

NM_004304.5(ALK):c.1278T>G (p.Ser426Arg)

Gene: ALK (ALK receptor tyrosine kinase; minus strand). Cytogenetic location: 2p23.2.
Variant type: single nucleotide variant.
Coding change: c.1278T>G on transcript NM_004304.5 (MANE Select); coding-DNA position 1278, T replaced by G.
Protein change: p.Ser426Arg; replaces serine 426 with arginine.
Molecular consequence: missense variant.
Genome position (GRCh38, 1-based): chr2:29,383,736, A>C on the plus strand (T>G on the coding strand, the complement: ALK is on the minus strand). VCF-style: chr2-29383736-A-C. GRCh37 (hg19) VCF-style: chr2-29606602-A-C.
Other names: short protein forms S426R.
Identifiers: ClinVar variation 2415188 (VCV002415188.6), dbSNP rs1260498868, ClinGen allele CA346585015.
Genomic context (GRCh38, chr2:29,383,736, plus strand): 5'-TGACACATCTAACACAATAGGCTACCAAGGAGCGTGGGAAAGCCAGATTCAGATACCTTC[A>C]CTGCAGTTCTTCAGGGCAAAGAAGTCCACTGCAGACAAGCTGCGGTTTCCACTGGAGATG-3'
Protein context (NP_004295.2, residues 416-436): AVDFFALKNC[Ser426Arg]EGTSPGSKMA